The following is an entry in ClinVar:

ClinVar aggregate classification (germline): Uncertain significance (1 of 4 stars; one submission).

Conditions:
Tibial muscular dystrophy (TMD). Also called: UDD MYOPATHY; Udd Distal Myopathy – Tibial Muscular Dystrophy; Tibial muscular dystrophy, tardive. Identifiers: Orphanet 609, MedGen C1838244, MONDO:0010870, OMIM 600334.

Submission:

Centre for Mendelian Genomics, University Medical Centre Ljubljana
Classification: Uncertain significance for Tibial muscular dystrophy. Last evaluated: 2019-02-20. Review status: criteria provided, single submitter. Criteria: ACMG Guidelines, 2015. Collection method: clinical testing. Allele origin: unknown. Affected: yes.
Comment: This variant was classified as: Uncertain significance. The available evidence favors the pathogenic nature of this variant, however the currently available data is insufficient to conclusively support its pathogenic nature. Thus this variant is classified as Uncertain significance - favor pathogenic. The following ACMG criteria were applied in classifying this variant: PM2.

NM_001267550.2(TTN):c.18055_18056del (p.Gln6019fs)

Gene: TTN (titin; minus strand). Cytogenetic location: 2q31.2.
Variant type: Microsatellite.
Coding change: c.18055_18056del on transcript NM_001267550.2 (MANE Select); coding-DNA positions 18055 to 18056, 2 bases deleted (CA; older notation c.18055_18056delCA).
Protein change: p.Gln6019fs; shifts the reading frame from glutamine 6019.
Molecular consequence: frameshift variant. On other transcripts: intron variant (3).
Genome position (GRCh38, 1-based): chr2:178,730,344-178,730,345, TG deleted on the plus strand (CA on the coding strand, the reverse complement: TTN is on the minus strand); deleting any 2 consecutive bases within chr2:178,730,344-178,730,347 gives the same sequence; the c. name uses the placement nearest the transcript's 3' end. VCF-style (leftmost placement, unchanged base first): chr2-178730343-CTG-C. GRCh37 (hg19) VCF-style: chr2-179595070-CTG-C.
Other names: c.17104_17105del, p.Gln5702fs (NM_001256850.1); c.14323_14324del, p.Gln4775fs (NM_133378.4); c.13282+7737_13282+7738del (NM_003319.4); c.13858+7737_13858+7738del (NM_133437.4); c.13657+7737_13657+7738del (NM_133432.3); c.18055_18056delCA (NM_001267550.2); short protein forms Q5702fs, Q4775fs, Q6019fs.
Identifiers: ClinVar variation 930665 (VCV000930665.3), dbSNP rs2080219754, ClinGen allele CA1310597328.